The following is an entry in ClinVar:

NM_001148.6(ANK2):c.9478G>T (p.Glu3160Ter)

Gene: ANK2 (ankyrin 2; plus strand). Cytogenetic location: 4q26.
Variant type: single nucleotide variant.
Coding change: c.9478G>T on transcript NM_001148.6 (MANE Select); coding-DNA position 9478, G replaced by T.
Protein change: p.Glu3160Ter; replaces glutamic acid 3160 with a stop codon.
Molecular consequence: nonsense. On other transcripts: intron variant (68).
Genome position (GRCh38, 1-based): chr4:113,358,096, G>T. VCF-style: chr4-113358096-G-T. GRCh37 (hg19) VCF-style: chr4-114279252-G-T.
Other names: c.9244G>T, p.Glu3082Ter (NM_001386142.1); c.5878G>T, p.Glu1960Ter (NM_001386166.1); c.9619G>T, p.Glu3207Ter (NM_001386174.1); c.9595G>T, p.Glu3199Ter (NM_001386175.1); c.4412-2727G>T (NM_001386186.2, NM_001386148.2); c.4214-2727G>T (NM_001354269.3); c.4292-2727G>T (NM_001386187.2); c.4253-2727G>T (NM_001386147.1); and 35 more; short protein forms E3160*, E1960*, E3082*, E3199*, E3207*.
Identifiers: ClinVar variation 954568 (VCV000954568.6), dbSNP rs2095919119, ClinGen allele CA357937700.
Genomic context (GRCh38, chr4:113,358,096, plus strand): 5'-GAAGAGACTCTCTCTGAAGATGTGAAAGAAGGGGCTACTGGGGCTGATCCCCTACCGCTG[G>T]AGACATCAGCTGAATCACTAGCACTTTCAGAATCAAAAGAAACAGTGGATGATGAGGCAG-3'

ClinVar aggregate classification (germline): Pathogenic (1 of 4 stars; one submission).

Conditions:
Long QT syndrome (LQTS). Identifiers: MedGen C0023976, MeSH D008133, MONDO:0002442. Disease mechanism: loss of function. Inheritance: Various modes of inheritance.

Submission:

Labcorp Genetics (formerly Invitae), Labcorp
Classification: Pathogenic for Long QT syndrome. Last evaluated: 2024-04-17. Review status: criteria provided, single submitter. Criteria: Invitae Variant Classification Sherloc (09022015). Collection method: clinical testing. Allele origin: germline.
Comment: This sequence change creates a premature translational stop signal (p.Glu3160*) in the ANK2 gene. It is expected to result in an absent or disrupted protein product. Loss-of-function variants in ANK2 are known to be pathogenic (PMID: 37195288). This variant is not present in population databases (gnomAD no frequency). This variant has not been reported in the literature in individuals affected with ANK2-related conditions. ClinVar contains an entry for this variant (Variation ID: 954568). For these reasons, this variant has been classified as Pathogenic.

Literature cited by the submitters: PubMed 37195288.